The following is an entry in ClinVar:

NM_004646.4(NPHS1):c.3364G>T (p.Glu1122Ter)

Gene: NPHS1 (NPHS1 adhesion molecule, nephrin; minus strand). Cytogenetic location: 19q13.12.
Variant type: single nucleotide variant.
Coding change: c.3364G>T on transcript NM_004646.4 (MANE Select); coding-DNA position 3364, G replaced by T.
Protein change: p.Glu1122Ter; replaces glutamic acid 1122 with a stop codon.
Molecular consequence: nonsense.
Genome position (GRCh38, 1-based): chr19:35,831,319, C>A on the plus strand (G>T on the coding strand, the complement: NPHS1 is on the minus strand). VCF-style: chr19-35831319-C-A. GRCh37 (hg19) VCF-style: chr19-36322221-C-A.
Other names: short protein forms E1122*.
Identifiers: ClinVar variation 2421941 (VCV002421941.6), dbSNP rs548792892, ClinGen allele CA405416555.
Genomic context (GRCh38, chr19:35,831,319, plus strand): 5'-CCCTGATTGTGGGGTCACCAGGGCCACCCCCACTTACCGTGGAGCTCTGAGTGTCCCGCT[C>A]TCCTGTCCACTGGCTCTCCTCATATTCGTTCCTGACTCGGTCCTCTTCCGACCTTCCAGG-3'

ClinVar aggregate classification (germline): Pathogenic (1 of 4 stars; one submission).

gnomAD v4.1: 1 of 1,614,016 alleles (0.000062%); highest among the groups gnomAD compares: Admixed American, 0.0017%; no homozygotes.

Submission:

Labcorp Genetics (formerly Invitae), Labcorp
Classification: Pathogenic. Last evaluated: 2025-10-13. Review status: criteria provided, single submitter. Criteria: Invitae Variant Classification Sherloc (09022015). Collection method: clinical testing. Allele origin: germline.
Comment: This sequence change creates a premature translational stop signal (p.Glu1122*) in the NPHS1 gene. It is expected to result in an absent or disrupted protein product. Loss-of-function variants in NPHS1 are known to be pathogenic (PMID: 11317351, 11854170, 12039988). This variant is not present in population databases (gnomAD no frequency). This variant has not been reported in the literature in individuals affected with NPHS1-related conditions. ClinVar contains an entry for this variant (Variation ID: 2421941). For these reasons, this variant has been classified as Pathogenic.

Literature cited by the submitters: PubMed 11317351; PubMed 11854170; PubMed 12039988.